The following is an entry in ClinVar:

NM_000428.3(LTBP2):c.5061T>C (p.Pro1687=)

Gene: LTBP2 (latent transforming growth factor beta binding protein 2; minus strand). Cytogenetic location: 14q24.3.
Variant type: single nucleotide variant.
Coding change: c.5061T>C on transcript NM_000428.3 (MANE Select); coding-DNA position 5061, T replaced by C.
Protein change: p.Pro1687=; no amino-acid change (proline 1687 retained).
Molecular consequence: synonymous variant.
Genome position (GRCh38, 1-based): chr14:74,502,762, A>G on the plus strand (T>C on the coding strand, the complement: LTBP2 is on the minus strand). VCF-style: chr14-74502762-A-G. GRCh37 (hg19) VCF-style: chr14-74969465-A-G.
Identifiers: ClinVar variation 4977594 (VCV004977594.1).

ClinVar aggregate classification (germline): Likely benign (1 of 4 stars; one submission).

Conditions:
LTBP2-related disorder. Also called: LTBP2-related condition; LTBP2-related disorders.

gnomAD v4.1: 139 of 1,614,184 alleles (0.0086%); highest among the groups gnomAD compares: South Asian, 0.14%; 1 homozygote.

Submission:

PreventionGenetics, part of Exact Sciences
Classification: Likely benign for LTBP2-related condition. Last evaluated: 2025-05-12. Review status: criteria provided, single submitter. Criteria: ACMG Guidelines, 2015. Collection method: clinical testing. Allele origin: germline.
Comment: This variant is classified as likely benign based on ACMG/AMP sequence variant interpretation guidelines (Richards et al. 2015 PMID: 25741868, with internal and published modifications).